The following is an entry in ClinVar:

ClinVar aggregate classification (germline): Likely benign (0 of 4 stars; one submission).

Conditions:
UGT1A1-related disorder. Also called: UGT1A1-related condition; UGT1A1-related disorders.

Allele frequency attached by ClinVar (database versions not stated): gnomAD exomes 0.00001; TOPMed 0.00002; gnomAD 0.00003.
gnomAD v4.1: 21 of 1,614,004 alleles (0.0013%); highest among the groups gnomAD compares: Non-Finnish European, 0.0017%; no homozygotes.

Submission:

PreventionGenetics, part of Exact Sciences
Classification: Likely benign for UGT1A1-related condition. Last evaluated: 2022-02-17. Review status: no assertion criteria provided. Collection method: clinical testing. Allele origin: germline.
Comment: This variant is classified as likely benign based on ACMG/AMP sequence variant interpretation guidelines (Richards et al. 2015 PMID: 25741868, with internal and published modifications).

NM_000463.3(UGT1A1):c.78T>C (p.His26=)

Genes: UGT1A (UDP glucuronosyltransferase family 1 member A complex locus; plus strand), UGT1A1 (UDP glucuronosyltransferase family 1 member A1; plus strand), UGT1A10 (UDP glucuronosyltransferase family 1 member A10; plus strand), UGT1A3 (UDP glucuronosyltransferase family 1 member A3; plus strand), UGT1A4 (UDP glucuronosyltransferase family 1 member A4; plus strand) and 5 more. Cytogenetic location: 2q37.1.
Variant type: single nucleotide variant.
Coding change: c.78T>C on transcript NM_000463.3 (MANE Select); coding-DNA position 78, T replaced by C.
Protein change: p.His26=; no amino-acid change (histidine 26 retained).
Molecular consequence: synonymous variant. On other transcripts: intron variant (9).
Genome position (GRCh38, 1-based): chr2:233,760,365, T>C. VCF-style: chr2-233760365-T-C. GRCh37 (hg19) VCF-style: chr2-234669011-T-C.
Other names: c.856-6669T>C (NM_019076.5, NM_019075.4, NM_021027.3 and 1 more transcripts); c.61-6669T>C (NM_205862.3); c.862-6669T>C (NM_001072.4); c.868-6669T>C (NM_019078.2, NM_007120.3, NM_019093.4).
Identifiers: ClinVar variation 3032879 (VCV003032879.2), dbSNP rs994298046, ClinGen allele CA67589585.